The following is an entry in ClinVar:

NM_145290.4(ADGRA3):c.888G>T (p.Lys296Asn)

Gene: ADGRA3 (adhesion G protein-coupled receptor A3; minus strand). Cytogenetic location: 4p15.2.
Variant type: single nucleotide variant.
Coding change: c.888G>T on transcript NM_145290.4 (MANE Select); coding-DNA position 888, G replaced by T.
Protein change: p.Lys296Asn; replaces lysine 296 with asparagine.
Molecular consequence: missense variant.
Genome position (GRCh38, 1-based): chr4:22,442,682, C>A on the plus strand (G>T on the coding strand, the complement: ADGRA3 is on the minus strand). VCF-style: chr4-22442682-C-A. GRCh37 (hg19) VCF-style: chr4-22444305-C-A.
Other names: c.888G>T (NM_145290.2); short protein forms K296N.
Identifiers: ClinVar variation 1448866 (VCV001448866.8), dbSNP rs201250338, ClinGen allele CA2874117.

ClinVar aggregate classification (germline): Uncertain significance. Review status: criteria provided, multiple submitters, no conflicts (2 of 4 stars). 2 submissions from 2 submitters: Uncertain significance (2). Last evaluated 2024-04-29.

Allele frequency attached by ClinVar (database versions not stated): ExAC 0.00002; gnomAD exomes 0.00004; gnomAD 0.00005 and 0.00006; TOPMed 0.00006; ESP Exome Variant Server 0.00008.
gnomAD v4.1: 71 of 1,612,196 alleles (0.0044%); highest among the groups gnomAD compares: Non-Finnish European, 0.0058%; no homozygotes.

Submissions (2):

Ambry Genetics
Classification: Uncertain significance. Last evaluated: 2024-04-29. Review status: criteria provided, single submitter. Criteria: Ambry Variant Classification Scheme 2023. Collection method: clinical testing. Allele origin: germline.

Labcorp Genetics (formerly Invitae), Labcorp
Classification: Uncertain significance. Last evaluated: 2024-04-25. Review status: criteria provided, single submitter. Criteria: Invitae Variant Classification Sherloc (09022015). Collection method: clinical testing. Allele origin: germline.
Comment: This sequence change replaces lysine, which is basic and polar, with asparagine, which is neutral and polar, at codon 296 of the ADGRA3 protein (p.Lys296Asn). This variant is present in population databases (rs201250338, gnomAD 0.008%). This variant has not been reported in the literature in individuals affected with ADGRA3-related conditions. ClinVar contains an entry for this variant (Variation ID: 1448866). An algorithm developed to predict the effect of missense changes on protein structure and function (PolyPhen-2) suggests that this variant is likely to be disruptive. Algorithms developed to predict the effect of sequence changes on RNA splicing suggest that this variant may create or strengthen a splice site. In summary, the available evidence is currently insufficient to determine the role of this variant in disease. Therefore, it has been classified as a Variant of Uncertain Significance.